The following is an entry in ClinVar:

ClinVar aggregate classification (germline): Uncertain significance. Review status: criteria provided, multiple submitters, no conflicts (2 of 4 stars). 2 submissions from 2 submitters: Uncertain significance (2). Last evaluated 2026-01-28.

Conditions:
Mitochondrial complex II deficiency, nuclear type 1. Also called: SUCCINATE CoQ REDUCTASE DEFICIENCY. Identifiers: Orphanet 3208, MedGen C5700310, MONDO:0100294, OMIM 252011.
Pheochromocytoma/paraganglioma syndrome 5. Also called: Paragangliomas 5; SDHA-Related Hereditary Paraganglioma-Pheochromocytoma Syndrome. Identifiers: Orphanet 29072, MedGen C3279992, MONDO:0013602, OMIM 614165.
Hereditary cancer-predisposing syndrome. Also called: Neoplastic Syndromes, Hereditary; Hereditary Cancer Syndrome; Hereditary neoplastic syndrome; Tumor predisposition. Identifiers: Orphanet 140162, MedGen C0027672, MeSH D009386, MONDO:0015356.

Submissions (2):

Ambry Genetics
Classification: Uncertain significance for Hereditary cancer-predisposing syndrome. Last evaluated: 2026-01-28. Review status: criteria provided, single submitter. Criteria: Ambry Variant Classification Scheme 2023. Collection method: clinical testing. Allele origin: germline.
Comment: The p.G233S variant (also known as c.697G>A), located in coding exon 6 of the SDHA gene, results from a G to A substitution at nucleotide position 697. The glycine at codon 233 is replaced by serine, an amino acid with similar properties. This amino acid position is highly conserved in available vertebrate species. In addition, this alteration is predicted to be deleterious by in silico analysis. Based on the available evidence, the clinical significance of this variant remains unclear.

Labcorp Genetics (formerly Invitae), Labcorp
Classification: Uncertain significance for Pheochromocytoma/paraganglioma syndrome 5; Mitochondrial complex II deficiency, nuclear type 1. Last evaluated: 2023-05-10. Review status: criteria provided, single submitter. Criteria: Invitae Variant Classification Sherloc (09022015). Collection method: clinical testing. Allele origin: germline.
Comment: In summary, the available evidence is currently insufficient to determine the role of this variant in disease. Therefore, it has been classified as a Variant of Uncertain Significance. Advanced modeling of protein sequence and biophysical properties (such as structural, functional, and spatial information, amino acid conservation, physicochemical variation, residue mobility, and thermodynamic stability) has been performed at Invitae for this missense variant, however the output from this modeling did not meet the statistical confidence thresholds required to predict the impact of this variant on SDHA protein function. ClinVar contains an entry for this variant (Variation ID: 1488391). This variant has not been reported in the literature in individuals affected with SDHA-related conditions. This variant is not present in population databases (gnomAD no frequency). This sequence change replaces glycine, which is neutral and non-polar, with serine, which is neutral and polar, at codon 233 of the SDHA protein (p.Gly233Ser).

NM_004168.4(SDHA):c.697G>A (p.Gly233Ser)

Gene: SDHA (succinate dehydrogenase complex flavoprotein subunit A; plus strand). Cytogenetic location: 5p15.33.
Variant type: single nucleotide variant.
Coding change: c.697G>A on transcript NM_004168.4 (MANE Select); coding-DNA position 697, G replaced by A.
Protein change: p.Gly233Ser; replaces glycine 233 with serine.
Molecular consequence: missense variant.
Genome position (GRCh38, 1-based): chr5:228,260, G>A. VCF-style: chr5-228260-G-A. GRCh37 (hg19) VCF-style: chr5-228375-G-A.
Other names: c.697G>A (NM_004168.2); c.553G>A, p.Gly185Ser (NM_001294332.2); c.697G>A, p.Gly233Ser (NM_001330758.2); short protein forms G185S, G233S.
Identifiers: ClinVar variation 1488391 (VCV001488391.10), dbSNP rs2126558729, ClinGen allele CA359010960.